The following is an entry in ClinVar:

NM_001032283.3(TMPO):c.565+2128_565+2129del

Gene: TMPO (thymopoietin; plus strand). Cytogenetic location: 12q23.1.
Variant type: Deletion.
Coding change: c.565+2128_565+2129del on transcript NM_001032283.3 (MANE Select); bases 2128 to 2129 of the intron after coding-DNA position 565, 2 bases deleted (GT; older notation c.565+2128_565+2129delGT).
Molecular consequence: intron variant. On other transcripts: nonsense (1).
Genome position (GRCh38, 1-based): chr12:98,533,966-98,533,967, GT deleted; deleting any 2 consecutive bases within chr12:98,533,965-98,533,967 gives the same sequence; the c. name uses the placement nearest the transcript's 3' end. VCF-style (leftmost placement, unchanged base first): chr12-98533964-CTG-C. GRCh37 (hg19) VCF-style: chr12-98927742-CTG-C.
Other names: c.1709_1710del, p.Leu569_Cys570insTer (NM_003276.2); c.565+2128_565+2129del (NM_001307975.2, NM_001032284.3).
Identifiers: ClinVar variation 1302324 (VCV001302324.2), dbSNP rs2121208972, ClinGen allele CA2573053768.

ClinVar aggregate classification (germline): Uncertain significance (1 of 4 stars; one submission).

Submission:

GeneDx
Classification: Uncertain significance. Last evaluated: 2019-06-04. Review status: criteria provided, single submitter. Criteria: GeneDx Variant Classification Process June 2021. Collection method: clinical testing. Allele origin: germline. Affected: yes.
Comment: Nonsense variant predicted to result in protein truncation, although loss-of-function variants have not been reported downstream of this position in the protein; Not observed in large population cohorts (Lek et al., 2016); Has not been previously published as pathogenic or benign to our knowledge